The following is an entry in ClinVar:

ClinVar aggregate classification (germline): Uncertain significance (1 of 4 stars; one submission).

Conditions:
Hereditary cancer-predisposing syndrome. Also called: Hereditary neoplastic syndrome; Neoplastic Syndromes, Hereditary; Tumor predisposition; Hereditary Cancer Syndrome. Identifiers: Orphanet 140162, MedGen C0027672, MeSH D009386, MONDO:0015356.

Submission:

Ambry Genetics
Classification: Uncertain significance for Hereditary cancer-predisposing syndrome. Last evaluated: 2025-07-19. Review status: criteria provided, single submitter. Criteria: Ambry Variant Classification Scheme 2023. Collection method: clinical testing. Allele origin: germline.
Comment: The p.C722Y variant (also known as c.2165G>A), located in coding exon 14 of the PTCH1 gene, results from a G to A substitution at nucleotide position 2165. The cysteine at codon 722 is replaced by tyrosine, an amino acid with highly dissimilar properties. This amino acid position is conserved. In addition, this alteration is predicted to be deleterious by in silico analysis. Based on the available evidence, the clinical significance of this variant remains unclear.

NM_000264.5(PTCH1):c.2165G>A (p.Cys722Tyr)

Genes: PTCH1 (patched 1; minus strand), LOC100507346 (uncharacterized LOC100507346; plus strand). Cytogenetic location: 9q22.32.
Variant type: single nucleotide variant.
Coding change: c.2165G>A on transcript NM_000264.5 (MANE Select); coding-DNA position 2165, G replaced by A.
Protein change: p.Cys722Tyr; replaces cysteine 722 with tyrosine.
Molecular consequence: missense variant. On other transcripts: non-coding transcript variant (2).
Genome position (GRCh38, 1-based): chr9:95,468,836, C>T on the plus strand (G>A on the coding strand, the complement: PTCH1 is on the minus strand). VCF-style: chr9-95468836-C-T. GRCh37 (hg19) VCF-style: chr9-98231118-C-T.
Other names: c.1967G>A, p.Cys656Tyr (NM_001083602.3); c.2162G>A, p.Cys721Tyr (NM_001083603.3); c.1712G>A, p.Cys571Tyr (NM_001083604.3, NM_001083605.3, NM_001083606.3 and 1 more transcripts); c.2009G>A, p.Cys670Tyr (NM_001354918.2); short protein forms C721Y, C670Y, C571Y, C656Y, C722Y.
Identifiers: ClinVar variation 4146871 (VCV004146871.1).